The following is an entry in ClinVar:

NM_005120.3(MED12):c.4910A>C (p.Gln1637Pro)

Gene: MED12 (mediator complex subunit 12; plus strand). Cytogenetic location: Xq13.1.
Variant type: single nucleotide variant.
Coding change: c.4910A>C on transcript NM_005120.3 (MANE Select); coding-DNA position 4910, A replaced by C.
Protein change: p.Gln1637Pro; replaces glutamine 1637 with proline.
Molecular consequence: missense variant.
Genome position (GRCh38, 1-based): chrX:71,135,138, A>C. VCF-style: chrX-71135138-A-C. GRCh37 (hg19) VCF-style: chrX-70354988-A-C.
Other names: short protein forms Q1637P.
Identifiers: ClinVar variation 2430970 (VCV002430970.1), dbSNP rs2519708667, ClinGen allele CA413533021.

ClinVar aggregate classification (germline): Uncertain significance (1 of 4 stars; one submission).

Submission:

GeneDx
Classification: Uncertain significance. Last evaluated: 2022-08-17. Review status: criteria provided, single submitter. Criteria: GeneDx Variant Classification Process June 2021. Collection method: clinical testing. Allele origin: germline. Affected: yes.
Comment: Not observed at significant frequency in large population cohorts (gnomAD); In silico analysis supports that this missense variant has a deleterious effect on protein structure/function; Has not been previously published as pathogenic or benign to our knowledge